The following is an entry in ClinVar:

NM_003995.4(NPR2):c.788G>A (p.Arg263His)

Gene: NPR2 (natriuretic peptide receptor 2; plus strand). Cytogenetic location: 9p13.3.
Variant type: single nucleotide variant.
Coding change: c.788G>A on transcript NM_003995.4 (MANE Select); coding-DNA position 788, G replaced by A.
Protein change: p.Arg263His; replaces arginine 263 with histidine.
Molecular consequence: missense variant.
Genome position (GRCh38, 1-based): chr9:35,794,018, G>A. VCF-style: chr9-35794018-G-A. GRCh37 (hg19) VCF-style: chr9-35794015-G-A.
Other names: c.788G>A, p.Arg263His (NM_001378923.1); short protein forms R263H.
Identifiers: ClinVar variation 1043981 (VCV001043981.10), dbSNP rs139036657, ClinGen allele CA5051510.

ClinVar aggregate classification (germline): Uncertain significance. Review status: criteria provided, single submitter (1 of 4 stars). 2 submissions from 2 submitters: Uncertain significance (1). 1 of the submissions does not count toward it. Last evaluated 2025-10-15.

Conditions:
Acromesomelic dysplasia 1, Maroteaux type (AMD1). Also called: ACROMESOMELIC DYSPLASIA 1; ST. HELENA DYSPLASIA. Identifiers: Orphanet 40, MedGen C1864356, MONDO:0011275, OMIM 602875.
Tall stature-scoliosis-macrodactyly of the great toes syndrome. Also called: Epiphyseal chondrodysplasia, miura type. Identifiers: Orphanet 329191, MedGen C4014690, MONDO:0014401, OMIM 615923.

Allele frequency attached by ClinVar (database versions not stated): ExAC 0.00002; gnomAD exomes 0.00003 and 0.00004; TOPMed 0.00007; ESP Exome Variant Server 0.00015.

Submissions (2):

Labcorp Genetics (formerly Invitae), Labcorp
Classification: Uncertain significance for Tall stature-scoliosis-macrodactyly of the great toes syndrome; Acromesomelic dysplasia 1, Maroteaux type. Last evaluated: 2025-10-15. Review status: criteria provided, single submitter. Criteria: Invitae Variant Classification Sherloc (09022015). Collection method: clinical testing. Allele origin: germline.
Comment: This sequence change replaces arginine, which is basic and polar, with histidine, which is basic and polar, at codon 263 of the NPR2 protein (p.Arg263His). This variant is present in population databases (rs139036657, gnomAD 0.01%), including at least one homozygous and/or hemizygous individual. This variant has not been reported in the literature in individuals affected with NPR2-related conditions. ClinVar contains an entry for this variant (Variation ID: 1043981). Invitae Evidence Modeling of protein sequence and biophysical properties (such as structural, functional, and spatial information, amino acid conservation, physicochemical variation, residue mobility, and thermodynamic stability) indicates that this missense variant is not expected to disrupt NPR2 protein function with a negative predictive value of 80%. In summary, the available evidence is currently insufficient to determine the role of this variant in disease. Therefore, it has been classified as a Variant of Uncertain Significance.

Department of Pathology and Laboratory Medicine, Sinai Health System
Classification: Uncertain significance. Review status: no assertion criteria provided. Collection method: clinical testing. Allele origin: unknown. Affected: yes. Study: The Canadian Open Genetics Repository (COGR). Not counted in ClinVar's aggregate classification.
Comment: The NPR2 p.Arg263His variant was not identified in the literature nor was it identified in Cosmic or LOVD 3.0. This is a novel missense change at an amino acid residue where a different missense change determined to be pathogenic has been seen before. The R263P change at this codon has been found to be pathogenic for short stature with nonspecific skeletal abnormalities, however the pathogenicity of the R263H change is not known (Vasques_2013_PMID: 24001744). The variant was identified in dbSNP (ID: rs139036657) and ClinVar (classified as pathogenic by OMIM). The variant was also identified in control databases in 10 of 282868 chromosomes (1 homozygous) at a frequency of 0.000035 (Genome Aggregation Database Feb 27, 2017). The variant was observed in the following populations: South Asian in 4 of 30616 chromosomes (freq: 0.000131), African in 3 of 24960 chromosomes (freq: 0.00012) and European (non-Finnish) in 3 of 129186 chromosomes (freq: 0.000023), while the variant was not observed in the Latino, Ashkenazi Jewish, East Asian, European (Finnish), and Other populations. The variant occurs outside of the splicing consensus sequence and in silico or computational prediction software programs (SpliceSiteFinder, MaxEntScan, NNSPLICE, GeneSplicer) do not predict a difference in splicing. The p.Arg263 residue is conserved across mammals and other organisms, and computational analyses (PolyPhen-2, SIFT, AlignGVGD, BLOSUM, MutationTaster) provide inconsistent predictions regarding the impact to the protein. In summary, based on the above information the clinical significance of this variant cannot be determined with certainty at this time. This variant is classified as a variant of uncertain significance.